The following is an entry in ClinVar:

NM_004727.3(SLC24A1):c.2677_2699del (p.Asn893fs)

Gene: SLC24A1 (solute carrier family 24 member 1; plus strand). Cytogenetic location: 15q22.31.
Variant type: Deletion.
Coding change: c.2677_2699del on transcript NM_004727.3 (MANE Select); coding-DNA positions 2677 to 2699, 23 bases deleted (AATGAAGAGCCTCTGTCCCTGGA).
Protein change: p.Asn893fs; shifts the reading frame from asparagine 893.
Molecular consequence: frameshift variant.
Genome position (GRCh38, 1-based): chr15:65,650,826-65,650,848, AATGAAGAGCCTCTGTCCCTGGA deleted; deleting any 23 consecutive bases within chr15:65,650,823-65,650,848 gives the same sequence; the c. name uses the placement nearest the transcript's 3' end. VCF-style (leftmost placement, unchanged base first): chr15-65650822-GGGAAATGAAGAGCCTCTGTCCCT-G. GRCh37 (hg19) VCF-style: chr15-65943160-GGGAAATGAAGAGCCTCTGTCCCT-G.
Other names: c.658_680del, p.Asn220fs (NM_001254740.2); c.2677_2699del, p.Asn893fs (NM_001301031.1); c.2623_2645del, p.Asn875fs (NM_001301032.1, NM_001301033.2); c.2335_2357del23, p.Asn779Leufs (NM_001411142.1); short protein forms N893fs, N220fs, N875fs.
Identifiers: ClinVar variation 1937462 (VCV001937462.5), dbSNP rs974693995, ClinGen allele CA271571532.

ClinVar aggregate classification (germline): Pathogenic (1 of 4 stars; one submission).

Submission:

Labcorp Genetics (formerly Invitae), Labcorp
Classification: Pathogenic. Last evaluated: 2023-07-17. Review status: criteria provided, single submitter. Criteria: Invitae Variant Classification Sherloc (09022015). Collection method: clinical testing. Allele origin: germline.
Comment: This sequence change creates a premature translational stop signal (p.Asn893Leufs*3) in the SLC24A1 gene. It is expected to result in an absent or disrupted protein product. Loss-of-function variants in SLC24A1 are known to be pathogenic (PMID: 20850105, 26822852). This variant is not present in population databases (gnomAD no frequency). This variant has not been reported in the literature in individuals affected with SLC24A1-related conditions. ClinVar contains an entry for this variant (Variation ID: 1937462). For these reasons, this variant has been classified as Pathogenic.

Literature cited by the submitters: PubMed 20850105; PubMed 26822852.